The following is an entry in ClinVar:

ClinVar aggregate classification (germline): Conflicting classifications of pathogenicity. Review status: criteria provided, conflicting classifications (1 of 4 stars). 10 submissions from 10 submitters: Uncertain significance (4); Benign (2); Likely benign (3). 1 of the submissions does not count toward it. Last evaluated 2026-02-02.

Conditions:
SLC25A22-related disorder. Also called: SLC25A22-related condition.
Early-infantile DEE. Also called: Early infantile epileptic encephalopathy; Early infantile epileptic encephalopathy with suppression bursts; Ohtahara syndrome. Identifiers: Orphanet 1934, MedGen C0393706, MONDO:0800491.
Inborn genetic diseases. Identifiers: MedGen C0950123, MeSH D030342.
Early Myoclonic Encephalopathy. Identifiers: MedGen C0270855.

Allele frequency attached by ClinVar (database versions not stated): ExAC 0.00072; gnomAD 0.00198 and 0.00210; ESP Exome Variant Server 0.00208; TOPMed 0.00209; 1000 Genomes Project 0.00300; 1000 Genomes Project 30x 0.00312.
gnomAD v4.1: 666 of 1,612,414 alleles (0.041%); highest among the groups gnomAD compares: African/African-American, 0.73%; 1 homozygote.

Submissions (10):

Labcorp Genetics (formerly Invitae), Labcorp
Classification: Likely benign for Early-infantile DEE. Last evaluated: 2026-02-02. Review status: criteria provided, single submitter. Criteria: Invitae Variant Classification Sherloc (09022015). Collection method: clinical testing. Allele origin: germline.

CeGaT Center for Human Genetics Tuebingen
Classification: Likely benign. Last evaluated: 2025-12-01. Review status: criteria provided, single submitter. Criteria: CeGaT Center For Human Genetics Tuebingen Variant Classification Criteria Version 2. Collection method: clinical testing. Allele origin: germline. Affected: yes. Observed: 2 variant alleles.
Comment: SLC25A22: BS2

Blueprint Genetics
Classification: Uncertain significance. Last evaluated: 2024-10-09. Review status: criteria provided, single submitter. Criteria: ACMG Guidelines, 2015. Collection method: clinical testing. Allele origin: germline.

Women's Health and Genetics/Laboratory Corporation of America, LabCorp
Classification: Uncertain significance. Last evaluated: 2023-05-12. Review status: criteria provided, single submitter. Criteria: LabCorp Variant Classification Summary - May 2015. Collection method: clinical testing. Allele origin: germline.
Comment: Variant summary: SLC25A22 c.151G>A (p.Asp51Asn) results in a conservative amino acid change in the encoded protein sequence. Four of five in-silico tools predict a damaging effect of the variant on protein function. The variant allele was found at a frequency of 0.00052 in 246498 control chromosomes, predominantly at a frequency of 0.007 within the African or African-American subpopulation in the gnomAD database. c.151G>A has been reported in the literature in the heterozygous state in an individual affected with juvenile myoclonic epilepsy (Lee_2018). This report does not provide unequivocal conclusions about association of the variant with Developmental And Epileptic Encephalopathy, 3. To our knowledge, no experimental evidence demonstrating an impact on protein function has been reported. The following publication has been ascertained in the context of this evaluation (PMID: 29924869). Four clinical diagnostic laboratories have submitted clinical-significance assessments for this variant to ClinVar after 2014 without evidence for independent evaluation and classified the variant as benign (n=1)/likely benign (n=2) and VUS (n=1). Based on the evidence outlined above, the variant was classified as uncertain significance.

Mayo Clinic Laboratories, Mayo Clinic
Classification: Uncertain significance. Last evaluated: 2019-04-07. Review status: criteria provided, single submitter. Criteria: ACMG Guidelines, 2015. Collection method: clinical testing. Allele origin: germline. Observed: 1 variant allele.

Ambry Genetics
Classification: Benign for Inborn genetic diseases. Last evaluated: 2016-10-05. Review status: criteria provided, single submitter. Criteria: Ambry Variant Classification Scheme 2023. Collection method: clinical testing. Allele origin: germline.

Eurofins Ntd Llc (ga)
Classification: Likely benign. Last evaluated: 2015-04-02. Review status: criteria provided, single submitter. Criteria: EGL Classification Definitions 2015. Collection method: clinical testing. Allele origin: germline. Observed: 1 variant allele, 1 heterozygote.

Genetic Services Laboratory, University of Chicago
Classification: Uncertain significance for Epileptic encephalopathy, early infantile, 3. Last evaluated: 2013-08-27. Review status: criteria provided, single submitter. Criteria: ACMG Guidelines, 2007. Collection method: clinical testing. Allele origin: germline. Inheritance: Autosomal recessive inheritance.

GeneDx
Classification: Benign. Last evaluated: 2013-06-27. Review status: criteria provided, single submitter. Criteria: GeneDx Variant Classification (06012015). Collection method: clinical testing. Allele origin: germline. Affected: yes.
Comment: This variant is considered likely benign or benign based on one or more of the following criteria: it is a conservative change, it occurs at a poorly conserved position in the protein, it is predicted to be benign by multiple in silico algorithms, and/or has population frequency not consistent with disease.

PreventionGenetics, part of Exact Sciences
Classification: Likely benign for SLC25A22-related condition. Last evaluated: 2022-02-08. Review status: no assertion criteria provided. Collection method: clinical testing. Allele origin: germline. Not counted in ClinVar's aggregate classification.
Comment: This variant is classified as likely benign based on ACMG/AMP sequence variant interpretation guidelines (Richards et al. 2015 PMID: 25741868, with internal and published modifications).

Literature cited by the submitters: PubMed 29924869 (cited by Women's Health and Genetics/Laboratory Corporation of America, LabCorp).

NM_001191061.2(SLC25A22):c.151G>A (p.Asp51Asn)

Gene: SLC25A22 (solute carrier family 25 member 22; minus strand). Cytogenetic location: 11p15.5.
Variant type: single nucleotide variant.
Coding change: c.151G>A on transcript NM_001191061.2 (MANE Select); coding-DNA position 151, G replaced by A.
Protein change: p.Asp51Asn; replaces aspartic acid 51 with asparagine.
Molecular consequence: missense variant.
Genome position (GRCh38, 1-based): chr11:794,509, C>T on the plus strand (G>A on the coding strand, the complement: SLC25A22 is on the minus strand). VCF-style: chr11-794509-C-T. GRCh37 (hg19) VCF-style: chr11-794509-C-T.
Other names: p.D51N:GAC>AAC; c.151G>A, p.Asp51Asn (NM_001191060.2, NM_024698.6); c.151G>A (NM_001191061.1, NM_001191060.1); short protein forms D51N.
Identifiers: ClinVar variation 139131 (VCV000139131.54), dbSNP rs116134953, ClinGen allele CA173468.
Genomic context (GRCh38, chr11:794,509, plus strand): 5'-AAACCTCACCCCGGTACATGCCGAAGTAGCCCTCGGAGCGGACGGTCTTGATGAGGCAGT[C>T]GGACCTGTGGCCAAGGGGACAGGGTGAGCCAGGGCCAGCTGGGGCCAGCCGGAGGCCAGG-3'
Protein context (NP_001177990.1, residues 41-61): NGQRVYTSMS[Asp51Asn]CLIKTVRSEG